The following is an entry in ClinVar:

ClinVar aggregate classification (germline): Uncertain significance. Review status: criteria provided, multiple submitters, no conflicts (2 of 4 stars). 3 submissions from 3 submitters: Uncertain significance (3). Last evaluated 2025-06-22.

Conditions:
Hereditary cancer-predisposing syndrome. Also called: Neoplastic Syndromes, Hereditary; Tumor predisposition; Hereditary Cancer Syndrome; Hereditary neoplastic syndrome. Identifiers: Orphanet 140162, MedGen C0027672, MeSH D009386, MONDO:0015356.
Familial cancer of breast. Also called: BREAST CANCER, FAMILIAL; hereditary breast carcinoma; Hereditary breast cancer. Identifiers: Orphanet 227535, MedGen C0346153, MONDO:0016419, OMIM 114480. Disease mechanism: loss of function.

Allele frequency attached by ClinVar (database versions not stated): gnomAD 0.00001.
gnomAD v4.1: 2 of 1,614,094 alleles (0.00012%); highest among the groups gnomAD compares: African/African-American, 0.0013%; no homozygotes.

Submissions (3):

Labcorp Genetics (formerly Invitae), Labcorp
Classification: Uncertain significance for Familial cancer of breast. Last evaluated: 2025-06-22. Review status: criteria provided, single submitter. Criteria: Invitae Variant Classification Sherloc (09022015). Collection method: clinical testing. Allele origin: germline.
Comment: This sequence change replaces isoleucine, which is neutral and non-polar, with methionine, which is neutral and non-polar, at codon 1139 of the PALB2 protein (p.Ile1139Met). This variant is not present in population databases (gnomAD no frequency). This variant has not been reported in the literature in individuals affected with PALB2-related conditions. ClinVar contains an entry for this variant (Variation ID: 232225). An algorithm developed to predict the effect of missense changes on protein structure and function (PolyPhen-2) suggests that this variant is likely to be disruptive. In summary, the available evidence is currently insufficient to determine the role of this variant in disease. Therefore, it has been classified as a Variant of Uncertain Significance.

Ambry Genetics
Classification: Uncertain significance for Hereditary cancer-predisposing syndrome. Last evaluated: 2025-01-06. Review status: criteria provided, single submitter. Criteria: Ambry Variant Classification Scheme 2023. Collection method: clinical testing. Allele origin: germline.
Comment: The p.I1139M variant (also known as c.3417T>G), located in coding exon 13 of the PALB2 gene, results from a T to G substitution at nucleotide position 3417. The isoleucine at codon 1139 is replaced by methionine, an amino acid with highly similar properties. This amino acid position is poorly conserved in available vertebrate species. In addition, this alteration is predicted to be tolerated by in silico analysis. Since supporting evidence is limited at this time, the clinical significance of this alteration remains unclear.

GeneDx
Classification: Uncertain significance. Last evaluated: 2024-08-06. Review status: criteria provided, single submitter. Criteria: GeneDx Variant Classification Process June 2021. Collection method: clinical testing. Allele origin: germline. Affected: yes.
Comment: Not observed at significant frequency in large population cohorts (gnomAD); In silico analysis indicates that this missense variant does not alter protein structure/function; Has not been previously published as pathogenic or benign to our knowledge; This variant is associated with the following publications: (PMID: 24485656, 19609323, 20871615)

NM_024675.4(PALB2):c.3417T>G (p.Ile1139Met)

Gene: PALB2 (partner and localizer of BRCA2; minus strand). Cytogenetic location: 16p12.2.
Variant type: single nucleotide variant.
Coding change: c.3417T>G on transcript NM_024675.4 (MANE Select); coding-DNA position 3417, T replaced by G.
Protein change: p.Ile1139Met; replaces isoleucine 1139 with methionine.
Molecular consequence: missense variant.
Genome position (GRCh38, 1-based): chr16:23,603,603, A>C on the plus strand (T>G on the coding strand, the complement: PALB2 is on the minus strand). VCF-style: chr16-23603603-A-C. GRCh37 (hg19) VCF-style: chr16-23614924-A-C.
Other names: short protein forms I1139M.
Identifiers: ClinVar variation 232225 (VCV000232225.18), dbSNP rs876659632, ClinGen allele CA10579915.